The following is an entry in ClinVar:

NM_022720.7(DGCR8):c.1091G>A (p.Arg364Gln)

Gene: DGCR8 (DGCR8 microprocessor complex subunit; plus strand). Cytogenetic location: 22q11.21.
Variant type: single nucleotide variant.
Coding change: c.1091G>A on transcript NM_022720.7 (MANE Select); coding-DNA position 1091, G replaced by A.
Protein change: p.Arg364Gln; replaces arginine 364 with glutamine.
Molecular consequence: missense variant.
Genome position (GRCh38, 1-based): chr22:20,090,043, G>A. VCF-style: chr22-20090043-G-A. GRCh37 (hg19) VCF-style: chr22-20077566-G-A.
Other names: c.1091G>A, p.Arg364Gln (NM_001190326.2); short protein forms R364Q.
Identifiers: ClinVar variation 2652879 (VCV002652879.24), dbSNP rs143390902, ClinGen allele CA10106891.

ClinVar aggregate classification (germline): Likely benign (1 of 4 stars; one submission).

Allele frequency attached by ClinVar (database versions not stated): 1000 Genomes Project 30x 0.00016; 1000 Genomes Project 0.00020; ESP Exome Variant Server 0.00031; gnomAD exomes 0.00060; TOPMed 0.00069; gnomAD 0.00078; ExAC 0.00082.
gnomAD v4.1: 1,050 of 1,614,214 alleles (0.065%); highest among the groups gnomAD compares: Admixed American, 0.02%; 15 homozygotes.

Submission:

CeGaT Center for Human Genetics Tuebingen
Classification: Likely benign. Last evaluated: 2024-01-01. Review status: criteria provided, single submitter. Criteria: CeGaT Center For Human Genetics Tuebingen Variant Classification Criteria Version 2. Collection method: clinical testing. Allele origin: germline. Affected: yes. Observed: 2 variant alleles.
Comment: DGCR8: BP4, BS1